The following is an entry in ClinVar:

ClinVar aggregate classification (germline): Likely pathogenic (1 of 4 stars; one submission).

Conditions:
Hereditary factor XI deficiency disease. Also called: Congenital factor XI deficiency; PLASMA THROMBOPLASTIN ANTECEDENT DEFICIENCY; PTA DEFICIENCY; ROSENTHAL SYNDROME. Identifiers: Orphanet 329, MedGen C0015523, MeSH D005173, MONDO:0012897, OMIM 612416.

Submission:

Women's Health and Genetics/Laboratory Corporation of America, LabCorp
Classification: Likely pathogenic for Hereditary factor XI deficiency disease. Last evaluated: 2023-08-07. Review status: criteria provided, single submitter. Criteria: LabCorp Variant Classification Summary - May 2015. Collection method: clinical testing. Allele origin: germline.
Comment: Variant summary: F11 c.752_755+25delinsT is located in a canonical splice-site and is predicted to affect mRNA splicing resulting in a significantly altered protein due to either exon skipping, shortening, or inclusion of intronic material. Several computational tools predict a significant impact on normal splicing: Four predict the variant abolishes a 5' splicing donor site. However, these predictions have yet to be confirmed by functional studies. The variant was absent in 251326 control chromosomes (gnomAD). To our knowledge, no occurrence of c.752_755+25delinsT in individuals affected with Hereditary factor XI deficiency disease and no experimental evidence demonstrating its impact on protein function have been reported. No submitters have cited clinical-significance assessments for this variant to ClinVar after 2014. Based on the evidence outlined above, the variant was classified as likely pathogenic.

NM_000128.4(F11):c.752_755+25delinsT

Gene: F11 (coagulation factor XI; plus strand). Cytogenetic location: 4q35.2.
Variant type: Indel.
Coding change: c.752_755+25delinsT on transcript NM_000128.4 (MANE Select); coding-DNA position 752 through 25 bases into the intron after coding-DNA position 755, AAAGGTAAGGAGTTAACAAGTAAGGATAA replaced by T.
Molecular consequence: splice donor variant.
Genome position (GRCh38, 1-based): chr4:186,276,387-186,276,415, AAAGGTAAGGAGTTAACAAGTAAGGATAA replaced by T. VCF-style: chr4-186276387-AAAGGTAAGGAGTTAACAAGTAAGGATAA-T. GRCh37 (hg19) VCF-style: chr4-187197541-AAAGGTAAGGAGTTAACAAGTAAGGATAA-T.
Identifiers: ClinVar variation 2581513 (VCV002581513.1), dbSNP rs2477280960, ClinGen allele CA2582341248.